The following is an entry in ClinVar:

NM_001127222.2(CACNA1A):c.5039T>C (p.Leu1680Pro)

Gene: CACNA1A (calcium voltage-gated channel subunit alpha1 A; minus strand). Cytogenetic location: 19p13.13.
Variant type: single nucleotide variant.
Coding change: c.5039T>C on transcript NM_001127222.2 (MANE Select); coding-DNA position 5039, T replaced by C.
Protein change: p.Leu1680Pro; replaces leucine 1680 with proline.
Molecular consequence: missense variant.
Genome position (GRCh38, 1-based): chr19:13,235,642, A>G on the plus strand (T>C on the coding strand, the complement: CACNA1A is on the minus strand). VCF-style: chr19-13235642-A-G. GRCh37 (hg19) VCF-style: chr19-13346456-A-G.
Other names: c.5057T>C, p.Leu1686Pro (NM_000068.4, NM_023035.3); c.5042T>C, p.Leu1681Pro (NM_001127221.2); c.5048T>C, p.Leu1683Pro (NM_001174080.2); short protein forms L1680P, L1681P, L1683P, L1686P.
Identifiers: ClinVar variation 4532642 (VCV004532642.1).

ClinVar aggregate classification (germline): Uncertain significance (1 of 4 stars; one submission).

Submission:

GeneDx
Classification: Uncertain significance. Last evaluated: 2025-05-31. Review status: criteria provided, single submitter. Criteria: GeneDx Variant Classification Process June 2021. Collection method: clinical testing. Allele origin: germline. Affected: yes.
Comment: Not observed at significant frequency in large population cohorts (gnomAD); In silico analysis supports that this missense variant has a deleterious effect on protein structure/function; Has not been previously published as pathogenic or benign to our knowledge